The following is an entry in ClinVar:

ClinVar aggregate classification (germline): Likely benign. Review status: criteria provided, multiple submitters, no conflicts (2 of 4 stars). 2 submissions from 2 submitters: Likely benign (2). Last evaluated 2026-06-02.

Conditions:
Gastrointestinal stromal tumor. Also called: Gastrointestinal stromal tumor, somatic; Gastrointestinal stroma tumor. Identifiers: Orphanet 44890, MedGen C0238198, MeSH D046152, MONDO:0011719, OMIM 606764, HP:0100723.

gnomAD v4.1: 10 of 1,613,990 alleles (0.00062%); highest among the groups gnomAD compares: Non-Finnish European, 0.00085%; no homozygotes.

Submissions (2):

Myriad Genetics, Inc.
Classification: Likely benign for Gastrointestinal stromal tumor. Last evaluated: 2026-06-02. Review status: criteria provided, single submitter. Criteria: Myriad Autosomal Dominant, Autosomal Recessive and X-Linked Classification Criteria (2023). Collection method: clinical testing. Allele origin: unknown.
Comment: This variant is considered likely benign. This variant is intronic and is not expected to impact mRNA splicing.

Labcorp Genetics (formerly Invitae), Labcorp
Classification: Likely benign for Gastrointestinal stromal tumor. Last evaluated: 2026-01-14. Review status: criteria provided, single submitter. Criteria: Invitae Variant Classification Sherloc (09022015). Collection method: clinical testing. Allele origin: germline.

NM_000222.3(KIT):c.2803-19A>C

Gene: KIT (KIT proto-oncogene, receptor tyrosine kinase; plus strand). Cytogenetic location: 4q12.
Variant type: single nucleotide variant.
Coding change: c.2803-19A>C on transcript NM_000222.3 (MANE Select); 19 bases into the intron before coding-DNA position 2803, A replaced by C.
Molecular consequence: intron variant.
Genome position (GRCh38, 1-based): chr4:54,738,410, A>C. VCF-style: chr4-54738410-A-C. GRCh37 (hg19) VCF-style: chr4-55604576-A-C.
Other names: c.2806-19A>C (NM_001385284.1); c.2803-19A>C (NM_001385290.1); c.2794-19A>C (NM_001385288.1); c.2791-19A>C (NM_001385292.1, NM_001093772.2); c.2800-19A>C (NM_001385285.1); c.2788-19A>C (NM_001385286.1).
Identifiers: ClinVar variation 1585302 (VCV001585302.9), dbSNP rs200447603, ClinGen allele CA2573138310.
Genomic context (GRCh38, chr4:54,738,410, plus strand): 5'-CTTGACACTGTAAGTATGCCTTTTGTTGCTATGTTCGTTGTAGGGACTGCTGTATTGACT[A>C]TGGGCTTGTTTTCTCCAGATTTACTCCAACTTAGCAAACTGCAGCCCCAACCGACAGAAG-3'